The following is an entry in ClinVar:

NC_000007.13:g.(?_136699613)_(136701013_?)del

Gene: CHRM2 (cholinergic receptor muscarinic 2; plus strand). Cytogenetic location: 7q33.
Variant type: Deletion.
Identifiers: ClinVar variation 1486706 (VCV001486706.3).

ClinVar aggregate classification (germline): Uncertain significance (1 of 4 stars; one submission).

Conditions:
Dilated Cardiomyopathy, Dominant.

Submission:

Labcorp Genetics (formerly Invitae), Labcorp
Classification: Uncertain significance. Last evaluated: 2021-09-22. Review status: criteria provided, single submitter. Criteria: Invitae Variant Classification Sherloc (09022015). Collection method: clinical testing. Allele origin: germline.
Comment: A gross deletion of the genomic region encompassing the full coding sequence of the CHRM2 gene has been identified. The current clinical and genetic evidence is not sufficient to establish whether loss-of-function variants in CHRM2 cause disease. The boundaries of this event are unknown as they extend beyond the assayed region for this gene and therefore may encompass additional genes. This variant has not been reported in the literature in individuals affected with CHRM2-related conditions. In summary, the available evidence is currently insufficient to determine the role of this variant in disease. Therefore, it has been classified as a Variant of Uncertain Significance.